The following is an entry in ClinVar:

NM_001134831.2(AHI1):c.1400A>G (p.Gln467Arg)

Gene: AHI1 (Abelson helper integration site 1; minus strand). Cytogenetic location: 6q23.3.
Variant type: single nucleotide variant.
Coding change: c.1400A>G on transcript NM_001134831.2 (MANE Select); coding-DNA position 1400, A replaced by G.
Protein change: p.Gln467Arg; replaces glutamine 467 with arginine.
Molecular consequence: missense variant.
Genome position (GRCh38, 1-based): chr6:135,453,381, T>C on the plus strand (A>G on the coding strand, the complement: AHI1 is on the minus strand). VCF-style: chr6-135453381-T-C. GRCh37 (hg19) VCF-style: chr6-135774519-T-C.
Other names: c.1400A>G, p.Gln467Arg (NM_001134830.2, NM_001134832.2, NM_001350503.2 and 2 more transcripts); short protein forms Q467R.
Identifiers: ClinVar variation 1416040 (VCV001416040.8), dbSNP rs2128071081, ClinGen allele CA365746206.

ClinVar aggregate classification (germline): Uncertain significance (1 of 4 stars; one submission).

Conditions:
Joubert syndrome. Also called: CEREBELLOPARENCHYMAL DISORDER IV; JOUBERT-BOLTSHAUSER SYNDROME; Familial aplasia of the vermis. Identifiers: Orphanet 475, MedGen C5979921, MONDO:0018772.

Submission:

Labcorp Genetics (formerly Invitae), Labcorp
Classification: Uncertain significance for Joubert syndrome. Last evaluated: 2022-06-04. Review status: criteria provided, single submitter. Criteria: Invitae Variant Classification Sherloc (09022015). Collection method: clinical testing. Allele origin: germline.
Comment: In summary, the available evidence is currently insufficient to determine the role of this variant in disease. Therefore, it has been classified as a Variant of Uncertain Significance. Advanced modeling of protein sequence and biophysical properties (such as structural, functional, and spatial information, amino acid conservation, physicochemical variation, residue mobility, and thermodynamic stability) performed at Invitae indicates that this missense variant is not expected to disrupt AHI1 protein function. ClinVar contains an entry for this variant (Variation ID: 1416040). This variant has not been reported in the literature in individuals affected with AHI1-related conditions. This variant is not present in population databases (gnomAD no frequency). This sequence change replaces glutamine, which is neutral and polar, with arginine, which is basic and polar, at codon 467 of the AHI1 protein (p.Gln467Arg).